The following is an entry in ClinVar:

ClinVar aggregate classification (germline): Uncertain significance. Review status: criteria provided, multiple submitters, no conflicts (2 of 4 stars). 3 submissions from 3 submitters: Uncertain significance (2). 1 of the submissions does not count toward it. Last evaluated 2025-02-25.

Conditions:
Growth delay due to insulin-like growth factor I resistance. Also called: Insulin-Like Growth Factor I Resistance; Somatomedin end-organ insensitivity to; Somatomedin-c resistance to; IGF-1 resistance; IGF-I RESISTANCE. Identifiers: Orphanet 73273, MedGen C1849157, MONDO:0010038, OMIM 270450.

Allele frequency attached by ClinVar (database versions not stated): gnomAD 0.00001; TOPMed 0.00003; gnomAD exomes 0.00004 and 0.00008; ExAC 0.00009.

Submissions (3):

Labcorp Genetics (formerly Invitae), Labcorp
Classification: Uncertain significance. Last evaluated: 2025-02-25. Review status: criteria provided, single submitter. Criteria: Invitae Variant Classification Sherloc (09022015). Collection method: clinical testing. Allele origin: germline.
Comment: This sequence change replaces serine, which is neutral and polar, with leucine, which is neutral and non-polar, at codon 1311 of the IGF1R protein (p.Ser1311Leu). This variant is present in population databases (rs771642071, gnomAD 0.01%). This missense change has been observed in individual(s) with idiopathic short stature (PMID: 36373817). ClinVar contains an entry for this variant (Variation ID: 1049829). An algorithm developed to predict the effect of missense changes on protein structure and function (PolyPhen-2) suggests that this variant is likely to be tolerated. In summary, the available evidence is currently insufficient to determine the role of this variant in disease. Therefore, it has been classified as a Variant of Uncertain Significance.

Revvity Omics, Revvity
Classification: Uncertain significance for Growth delay due to insulin-like growth factor I resistance. Last evaluated: 2023-06-13. Review status: criteria provided, single submitter. Criteria: ACMG Guidelines, 2015. Collection method: clinical testing. Allele origin: germline.

Department of Pathology and Laboratory Medicine, Sinai Health System
Classification: Uncertain significance. Review status: no assertion criteria provided. Collection method: clinical testing. Allele origin: unknown. Affected: yes. Study: The Canadian Open Genetics Repository (COGR). Not counted in ClinVar's aggregate classification.
Comment: The IGF1R p.Ser1311Leu variant was not identified in the literature nor was it identified in ClinVar. The variant was identified in dbSNP (ID: rs771642071) and in control databases in 20 of 249902 chromosomes (1 homozygous) at a frequency of 0.00008003 (Genome Aggregation Database March 6, 2019, v2.1.1). The variant was observed in the following populations: European (non-Finnish) in 15 of 112750 chromosomes (freq: 0.000133), Ashkenazi Jewish in 1 of 10030 chromosomes (freq: 0.0001), Latino in 2 of 34516 chromosomes (freq: 0.000058), East Asian in 1 of 18374 chromosomes (freq: 0.000054) and South Asian in 1 of 30600 chromosomes (freq: 0.000033), but was not observed in the African, European (Finnish), or Other populations. The p.Ser1311 residue is not conserved in mammals and four out of five computational analyses (PolyPhen-2, SIFT, AlignGVGD, BLOSUM, MutationTaster) do not suggest a high likelihood of impact to the protein; however, this information is not predictive enough to rule out pathogenicity. The variant occurs outside of the splicing consensus sequence and in silico or computational prediction software programs (SpliceSiteFinder, MaxEntScan, NNSPLICE, GeneSplicer) do not predict a difference in splicing. In summary, based on the above information the clinical significance of this variant cannot be determined with certainty at this time. This variant is classified as a variant of uncertain significance.

Literature cited by the submitters: PubMed 36373817 (cited by Labcorp Genetics (formerly Invitae), Labcorp).

NM_000875.5(IGF1R):c.3932C>T (p.Ser1311Leu)

Gene: IGF1R (insulin like growth factor 1 receptor; plus strand). Cytogenetic location: 15q26.3.
Variant type: single nucleotide variant.
Coding change: c.3932C>T on transcript NM_000875.5 (MANE Select); coding-DNA position 3932, C replaced by T.
Protein change: p.Ser1311Leu; replaces serine 1311 with leucine.
Molecular consequence: missense variant.
Genome position (GRCh38, 1-based): chr15:98,957,270, C>T. VCF-style: chr15-98957270-C-T. GRCh37 (hg19) VCF-style: chr15-99500499-C-T.
Other names: c.3929C>T, p.Ser1310Leu (NM_001291858.2); short protein forms S1310L, S1311L.
Identifiers: ClinVar variation 1049829 (VCV001049829.6), dbSNP rs771642071, ClinGen allele CA7752833.